The following is an entry in ClinVar:

NM_016239.4(MYO15A):c.8488C>A (p.Pro2830Thr)

Gene: MYO15A (myosin XVA; plus strand). Cytogenetic location: 17p11.2.
Variant type: single nucleotide variant.
Coding change: c.8488C>A on transcript NM_016239.4 (MANE Select); coding-DNA position 8488, C replaced by A.
Protein change: p.Pro2830Thr; replaces proline 2830 with threonine.
Molecular consequence: missense variant.
Genome position (GRCh38, 1-based): chr17:18,156,223, C>A. VCF-style: chr17-18156223-C-A. GRCh37 (hg19) VCF-style: chr17-18059537-C-A.
Other names: short protein forms P2830T.
Identifiers: ClinVar variation 2579595 (VCV002579595.1), dbSNP rs2545300908, ClinGen allele CA398628302.

ClinVar aggregate classification (germline): Uncertain significance (1 of 4 stars; one submission).

Submission:

GeneDx
Classification: Uncertain significance. Last evaluated: 2023-03-08. Review status: criteria provided, single submitter. Criteria: GeneDx Variant Classification Process June 2021. Collection method: clinical testing. Allele origin: germline. Affected: yes.
Comment: Not observed at significant frequency in large population cohorts (gnomAD); In silico analysis supports that this missense variant has a deleterious effect on protein structure/function; Has not been previously published as pathogenic or benign to our knowledge; In silico analysis is inconclusive as to whether the variant alters gene splicing. In the absence of RNA/functional studies, the actual effect of this sequence change is unknown.